The following is an entry in ClinVar:

NM_001903.5(CTNNA1):c.1053C>A (p.Tyr351Ter)

Gene: CTNNA1 (catenin alpha 1; plus strand). Cytogenetic location: 5q31.2.
Variant type: single nucleotide variant.
Coding change: c.1053C>A on transcript NM_001903.5 (MANE Select); coding-DNA position 1053, C replaced by A.
Protein change: p.Tyr351Ter; replaces tyrosine 351 with a stop codon.
Molecular consequence: nonsense.
Genome position (GRCh38, 1-based): chr5:138,827,709, C>A. VCF-style: chr5-138827709-C-A. GRCh37 (hg19) VCF-style: chr5-138163398-C-A.
Other names: c.1053C>A, p.Tyr351Ter (NM_001290307.3, NM_001323982.2, NM_001323983.1 and 3 more transcripts); c.744C>A, p.Tyr248Ter (NM_001290309.3); c.684C>A, p.Tyr228Ter (NM_001290310.3); short protein forms Y228*, Y248*, Y351*.
Identifiers: ClinVar variation 3254404 (VCV003254404.3), dbSNP rs1304131217.

ClinVar aggregate classification (germline): Pathogenic. Review status: criteria provided, multiple submitters, no conflicts (2 of 4 stars). 2 submissions from 2 submitters: Pathogenic (2). Last evaluated 2024-09-18.

Conditions:
Hereditary diffuse gastric adenocarcinoma (HDGC). Also called: DIFFUSE GASTRIC AND LOBULAR BREAST CANCER SYNDROME. Identifiers: Orphanet 26106, MedGen C1708349, MONDO:0007648, OMIM 137215.

Submissions (2):

Labcorp Genetics (formerly Invitae), Labcorp
Classification: Pathogenic. Last evaluated: 2024-09-18. Review status: criteria provided, single submitter. Criteria: Invitae Variant Classification Sherloc (09022015). Collection method: clinical testing. Allele origin: germline.
Comment: This sequence change creates a premature translational stop signal (p.Tyr351*) in the CTNNA1 gene. It is expected to result in an absent or disrupted protein product. Loss-of-function variants in CTNNA1 are known to be pathogenic (PMID: 32051609, 34425242). This variant is not present in population databases (gnomAD no frequency). This variant has not been reported in the literature in individuals affected with CTNNA1-related conditions. For these reasons, this variant has been classified as Pathogenic.

Myriad Genetics, Inc.
Classification: Pathogenic for Hereditary diffuse gastric adenocarcinoma. Last evaluated: 2024-06-12. Review status: criteria provided, single submitter. Criteria: Myriad Autosomal Dominant, Autosomal Recessive and X-Linked Classification Criteria (2023). Collection method: clinical testing. Allele origin: unknown.
Comment: This variant is considered pathogenic. This variant creates a termination codon and is predicted to result in premature protein truncation.

Literature cited by the submitters: PubMed 32051609 (cited by Labcorp Genetics (formerly Invitae), Labcorp); PubMed 34425242 (cited by Labcorp Genetics (formerly Invitae), Labcorp).